The following is an entry in ClinVar:

ClinVar aggregate classification (germline): Likely benign (1 of 4 stars; one submission).

Conditions:
PIK3CG-related disorder. Also called: PIK3CG-related condition.

gnomAD v4.1: 176 of 1,608,180 alleles (0.011%); highest among the groups gnomAD compares: African/African-American, 0.17%; no homozygotes.

Submission:

PreventionGenetics, part of Exact Sciences
Classification: Likely benign for PIK3CG-related condition. Last evaluated: 2025-03-10. Review status: criteria provided, single submitter. Criteria: ACMG Guidelines, 2015. Collection method: clinical testing. Allele origin: germline.
Comment: This variant is classified as likely benign based on ACMG/AMP sequence variant interpretation guidelines (Richards et al. 2015 PMID: 25741868, with internal and published modifications).

NM_001282426.2(PIK3CG):c.2384C>T (p.Ala795Val)

Gene: PIK3CG (phosphatidylinositol-4,5-bisphosphate 3-kinase catalytic subunit gamma; plus strand). Cytogenetic location: 7q22.3.
Variant type: single nucleotide variant.
Coding change: c.2384C>T on transcript NM_001282426.2 (MANE Select); coding-DNA position 2384, C replaced by T.
Protein change: p.Ala795Val; replaces alanine 795 with valine.
Molecular consequence: missense variant.
Genome position (GRCh38, 1-based): chr7:106,874,796, C>T. VCF-style: chr7-106874796-C-T. GRCh37 (hg19) VCF-style: chr7-106515241-C-T.
Other names: c.2384C>T, p.Ala795Val (NM_001282427.2, NM_002649.3); short protein forms A795V.
Identifiers: ClinVar variation 4984100 (VCV004984100.1).